The following is an entry in ClinVar:

ClinVar aggregate classification (germline): Uncertain significance. Review status: criteria provided, multiple submitters, no conflicts (2 of 4 stars). 2 submissions from 2 submitters: Uncertain significance (2). Last evaluated 2026-04-28.

Conditions:
Inborn genetic diseases. Identifiers: MedGen C0950123, MeSH D030342.
Malignant hyperthermia, susceptibility to, 1 (MHS1). Also called: Anesthesia related hyperthermia; Malignant hyperpyrexia; Fulminating hyperpyrexia; Pharmacogenic myopathy; RYR1-Related Malignant Hyperthermia Susceptibility; Malignant hyperthermia suceptibility 1. Identifiers: Orphanet 423, MedGen C2930980, MONDO:0007783, OMIM 145600.

Submissions (2):

Ambry Genetics
Classification: Uncertain significance for Inborn genetic diseases. Last evaluated: 2026-04-28. Review status: criteria provided, single submitter. Criteria: Ambry Variant Classification Scheme 2023. Collection method: clinical testing. Allele origin: germline.

All of Us Research Program, National Institutes of Health
Classification: Uncertain significance for Malignant hyperthermia, susceptibility to, 1. Last evaluated: 2024-08-13. Review status: criteria provided, single submitter. Criteria: ACMG Guidelines, 2015. Collection method: clinical testing. Allele origin: germline. Inheritance: Autosomal dominant inheritance. Observed: 1 variant allele, 1 heterozygote.
Comment: This missense variant replaces tyrosine with cysteine at codon 2142 of the RYR1 protein. Computational prediction suggests that this variant may have deleterious impact on protein structure and function (internally defined REVEL score threshold >= 0.7, PMID: 27666373). To our knowledge, functional studies have not been reported for this variant. This variant has not been reported in individuals affected with RYR1-related disorders in the literature. This variant has not been identified in the general population by the Genome Aggregation Database (gnomAD). The available evidence is insufficient to determine the role of this variant in disease conclusively. Therefore, this variant is classified as a Variant of Uncertain Significance.

This study involves interpretation of variants in research participants for the purpose of population health screening. Participant phenotype was not available at the time of variant classification. Additional details can be found in publication PMID: 35346344, PMCID: PMC8962531

NM_000540.3(RYR1):c.6425A>G (p.Tyr2142Cys)

Gene: RYR1 (ryanodine receptor 1; plus strand). Cytogenetic location: 19q13.2.
Variant type: single nucleotide variant.
Coding change: c.6425A>G on transcript NM_000540.3 (MANE Select); coding-DNA position 6425, A replaced by G.
Protein change: p.Tyr2142Cys; replaces tyrosine 2142 with cysteine.
Molecular consequence: missense variant.
Genome position (GRCh38, 1-based): chr19:38,494,502, A>G. VCF-style: chr19-38494502-A-G. GRCh37 (hg19) VCF-style: chr19-38985142-A-G.
Other names: c.6425A>G, p.Tyr2142Cys (NM_001042723.2); short protein forms Y2142C.
Identifiers: ClinVar variation 3385425 (VCV003385425.2).